The following is an entry in ClinVar:

ClinVar aggregate classification (germline): Uncertain significance (1 of 4 stars; one submission).

Submission:

Labcorp Genetics (formerly Invitae), Labcorp
Classification: Uncertain significance. Last evaluated: 2025-06-12. Review status: criteria provided, single submitter. Criteria: Invitae Variant Classification Sherloc (09022015). Collection method: clinical testing. Allele origin: germline.
Comment: This sequence change replaces valine, which is neutral and non-polar, with alanine, which is neutral and non-polar, at codon 15 of the IFT27 protein (p.Val15Ala). This variant is not present in population databases (gnomAD no frequency). This variant has not been reported in the literature in individuals affected with IFT27-related conditions. ClinVar contains an entry for this variant (Variation ID: 1716552). Invitae Evidence Modeling of protein sequence and biophysical properties (such as structural, functional, and spatial information, amino acid conservation, physicochemical variation, residue mobility, and thermodynamic stability) indicates that this missense variant is expected to disrupt IFT27 protein function with a positive predictive value of 95%. In summary, the available evidence is currently insufficient to determine the role of this variant in disease. Therefore, it has been classified as a Variant of Uncertain Significance.

NM_001177701.3(IFT27):c.47T>C (p.Val16Ala)

Gene: IFT27 (intraflagellar transport 27; minus strand). Cytogenetic location: 22q12.3.
Variant type: single nucleotide variant.
Coding change: c.47T>C on transcript NM_001177701.3 (MANE Select); coding-DNA position 47, T replaced by C.
Protein change: p.Val16Ala; replaces valine 16 with alanine.
Molecular consequence: missense variant.
Genome position (GRCh38, 1-based): chr22:36,767,850, A>G on the plus strand (T>C on the coding strand, the complement: IFT27 is on the minus strand). VCF-style: chr22-36767850-A-G. GRCh37 (hg19) VCF-style: chr22-37163894-A-G.
Other names: c.47T>C, p.Val16Ala (NM_001363003.2); c.44T>C, p.Val15Ala (NM_006860.5); short protein forms V15A, V16A.
Identifiers: ClinVar variation 1716552 (VCV001716552.5), dbSNP rs1938294510, ClinGen allele CA411386773.